The following is an entry in ClinVar:

NM_001100913.3(PACS2):c.625G>C (p.Glu209Gln)

Gene: PACS2 (phosphofurin acidic cluster sorting protein 2; plus strand). Cytogenetic location: 14q32.33.
Variant type: single nucleotide variant.
Coding change: c.625G>C on transcript NM_001100913.3 (MANE Select); coding-DNA position 625, G replaced by C.
Protein change: p.Glu209Gln; replaces glutamic acid 209 with glutamine.
Molecular consequence: missense variant.
Genome position (GRCh38, 1-based): chr14:105,368,112, G>C. VCF-style: chr14-105368112-G-C. GRCh37 (hg19) VCF-style: chr14-105834449-G-C.
Other names: c.424G>C, p.Glu142Gln (NM_001243127.3); c.625G>C, p.Glu209Gln (NM_015197.4); short protein forms E142Q, E209Q.
Identifiers: ClinVar variation 1485241 (VCV001485241.27), dbSNP rs1555408401, ClinGen allele CA391174503.

ClinVar aggregate classification (germline): Uncertain significance. Review status: criteria provided, multiple submitters, no conflicts (2 of 4 stars). 2 submissions from 2 submitters: Uncertain significance (2). Last evaluated 2024-05-01.

Submissions (2):

CeGaT Center for Human Genetics Tuebingen
Classification: Uncertain significance. Last evaluated: 2024-05-01. Review status: criteria provided, single submitter. Criteria: CeGaT Center For Human Genetics Tuebingen Variant Classification Criteria Version 2. Collection method: clinical testing. Allele origin: germline. Affected: yes. Observed: 1 variant allele.
Comment: PACS2: PM2, PM5

Labcorp Genetics (formerly Invitae), Labcorp
Classification: Uncertain significance. Last evaluated: 2021-04-23. Review status: criteria provided, single submitter. Criteria: Invitae Variant Classification Sherloc (09022015). Collection method: clinical testing. Allele origin: germline.
Comment: This sequence change replaces glutamic acid with glutamine at codon 209 of the PACS2 protein (p.Glu209Gln). The glutamic acid residue is highly conserved and there is a small physicochemical difference between glutamic acid and glutamine. This variant is not present in population databases (ExAC no frequency). This variant has not been reported in the literature in individuals with PACS2-related conditions. Algorithms developed to predict the effect of missense changes on protein structure and function (SIFT, PolyPhen-2, Align-GVGD) all suggest that this variant is likely to be disruptive, but these predictions have not been confirmed by published functional studies and their clinical significance is uncertain. This variant disrupts the p.Glu209 amino acid residue in PACS2. Other variant(s) that disrupt this residue have been determined to be pathogenic (PMID: 29656858). This suggests that this residue is clinically significant, and that variants that disrupt this residue are likely to be disease-causing. In summary, the available evidence is currently insufficient to determine the role of this variant in disease. Therefore, it has been classified as a Variant of Uncertain Significance.

Literature cited by the submitters: PubMed 29656858 (cited by Labcorp Genetics (formerly Invitae), Labcorp).